The following is an entry in ClinVar:

NM_016284.5(CNOT1):c.5381T>C (p.Ile1794Thr)

Gene: CNOT1 (CCR4-NOT transcription complex subunit 1; minus strand). Cytogenetic location: 16q21.
Variant type: single nucleotide variant.
Coding change: c.5381T>C on transcript NM_016284.5 (MANE Select); coding-DNA position 5381, T replaced by C.
Protein change: p.Ile1794Thr; replaces isoleucine 1794 with threonine.
Molecular consequence: missense variant. On other transcripts: non-coding transcript variant (1).
Genome position (GRCh38, 1-based): chr16:58,537,924, A>G on the plus strand (T>C on the coding strand, the complement: CNOT1 is on the minus strand). VCF-style: chr16-58537924-A-G. GRCh37 (hg19) VCF-style: chr16-58571828-A-G.
Other names: c.5366T>C, p.Ile1789Thr (NM_001265612.2); short protein forms I1789T, I1794T.
Identifiers: ClinVar variation 4875029 (VCV004875029.2).

ClinVar aggregate classification (germline): Uncertain significance (1 of 4 stars; one submission).

Submission:

CeGaT Center for Human Genetics Tuebingen
Classification: Uncertain significance. Last evaluated: 2026-05-01. Review status: criteria provided, single submitter. Criteria: CeGaT Center For Human Genetics Tuebingen Variant Classification Criteria Version 2. Collection method: clinical testing. Allele origin: germline. Affected: yes. Observed: 1 variant allele.
Comment: CNOT1: PM2, PP2